The following is an entry in ClinVar:

ClinVar aggregate classification (germline): Pathogenic. Review status: criteria provided, multiple submitters, no conflicts (2 of 4 stars). 2 submissions from 2 submitters: Pathogenic (2). Last evaluated 2026-02-10.

Conditions:
Familial cancer of breast. Also called: BREAST CANCER, FAMILIAL; Hereditary breast cancer; hereditary breast carcinoma. Identifiers: Orphanet 227535, MedGen C0346153, MONDO:0016419, OMIM 114480. Disease mechanism: loss of function.

Submissions (2):

Myriad Genetics, Inc.
Classification: Pathogenic for Familial cancer of breast. Last evaluated: 2026-02-10. Review status: criteria provided, single submitter. Criteria: Myriad Autosomal Dominant, Autosomal Recessive and X-Linked Classification Criteria (2023). Collection method: clinical testing. Allele origin: unknown.
Comment: This variant is considered pathogenic. This variant creates a frameshift predicted to result in premature protein truncation.

Labcorp Genetics (formerly Invitae), Labcorp
Classification: Pathogenic for Familial cancer of breast. Last evaluated: 2022-11-01. Review status: criteria provided, single submitter. Criteria: Invitae Variant Classification Sherloc (09022015). Collection method: clinical testing. Allele origin: germline.
Comment: This sequence change creates a premature translational stop signal (p.Thr610Glnfs*18) in the PALB2 gene. It is expected to result in an absent or disrupted protein product. Loss-of-function variants in PALB2 are known to be pathogenic (PMID: 17200668, 17200671, 17200672, 24136930, 25099575). For these reasons, this variant has been classified as Pathogenic. This variant has not been reported in the literature in individuals affected with PALB2-related conditions. This variant is not present in population databases (gnomAD no frequency).

Literature cited by the submitters: PubMed 17200668 (cited by Labcorp Genetics (formerly Invitae), Labcorp); PubMed 17200671 (cited by Labcorp Genetics (formerly Invitae), Labcorp); PubMed 17200672 (cited by Labcorp Genetics (formerly Invitae), Labcorp); PubMed 24136930 (cited by Labcorp Genetics (formerly Invitae), Labcorp); PubMed 25099575 (cited by Labcorp Genetics (formerly Invitae), Labcorp).

NM_024675.4(PALB2):c.1828del (p.Thr610fs)

Gene: PALB2 (partner and localizer of BRCA2; minus strand). Cytogenetic location: 16p12.2.
Variant type: Deletion.
Coding change: c.1828del on transcript NM_024675.4 (MANE Select); coding-DNA position 1828, one base deleted (A; older notation c.1828delA).
Protein change: p.Thr610fs; shifts the reading frame from threonine 610.
Molecular consequence: frameshift variant. On other transcripts: intron variant (1).
Genome position (GRCh38, 1-based): chr16:23,630,326, T deleted on the plus strand (A on the coding strand, the reverse complement: PALB2 is on the minus strand). VCF-style (leftmost placement, unchanged base first): chr16-23630325-GT-G. GRCh37 (hg19) VCF-style: chr16-23641646-GT-G.
Other names: c.1828del, p.Thr610fs (NM_001407300.1, NM_001407301.1, NM_001407302.1 and 3 more transcripts); c.943del, p.Thr315fs (NM_001407304.1, NM_001407305.1, NM_001407306.1 and 5 more transcripts); c.40del, p.Thr14fs (NM_001407312.1, NM_001407313.1); c.49-1051del (NM_001407314.1); c.1768del, p.Thr590fs (NM_001407296.1); short protein forms T14fs, T610fs, T315fs, T590fs.
Identifiers: ClinVar variation 2811132 (VCV002811132.4), dbSNP rs2506434971, ClinGen allele CA2739266674.
Genomic context (GRCh38, chr16:23,630,325, plus strand): 5'-CAGGACTTCACTTTTTCAAGCTTAAGAGGTCCAAAGTCTTCATCAGGTAACTGAAAGTCT[GT>G]GATACTGAGAAAAGACAGTAGTTGCTTTAAACTCAGCATTCCATCCCTATGAAATGGAGC-3'